The following is an entry in ClinVar:

NM_024675.4(PALB2):c.778C>T (p.Gln260Ter)

Gene: PALB2 (partner and localizer of BRCA2; minus strand). Cytogenetic location: 16p12.2.
Variant type: single nucleotide variant.
Coding change: c.778C>T on transcript NM_024675.4 (MANE Select); coding-DNA position 778, C replaced by T.
Protein change: p.Gln260Ter; replaces glutamine 260 with a stop codon.
Molecular consequence: nonsense.
Genome position (GRCh38, 1-based): chr16:23,635,768, G>A on the plus strand (C>T on the coding strand, the complement: PALB2 is on the minus strand). VCF-style: chr16-23635768-G-A. GRCh37 (hg19) VCF-style: chr16-23647089-G-A.
Other names: short protein forms Q260*.
Identifiers: ClinVar variation 560018 (VCV000560018.23), dbSNP rs1555461627, ClinGen allele CA395136081.
Genomic context (GRCh38, chr16:23,635,768, plus strand): 5'-TTTTTAGGTCGTGAGTAGTAAGTTCACTGCTACCTTTAGGAGGAATGTGTTCAAGGTGCT[G>A]ACTACTACCGCTATCTGATAGAGTCTGTAAAGGAACTGTAGTCGCCCTGGTGAAATTAGG-3'

ClinVar aggregate classification (germline): Pathogenic. Review status: criteria provided, multiple submitters, no conflicts (2 of 4 stars). 5 submissions from 5 submitters: Pathogenic (3). 2 of the submissions do not count toward it. Last evaluated 2024-03-11.

Conditions:
Hereditary cancer-predisposing syndrome. Also called: Hereditary neoplastic syndrome; Neoplastic Syndromes, Hereditary; Tumor predisposition; Hereditary Cancer Syndrome. Identifiers: Orphanet 140162, MedGen C0027672, MeSH D009386, MONDO:0015356.
Familial cancer of breast. Also called: hereditary breast carcinoma; Hereditary breast cancer; BREAST CANCER, FAMILIAL. Identifiers: Orphanet 227535, MedGen C0346153, MONDO:0016419, OMIM 114480. Disease mechanism: loss of function.
Neuroendocrine tumor of pancreas. Also called: Neuroendocrine pancreatic tumor. Identifiers: Orphanet 97253, MedGen C1337011, MONDO:0019954.

Submissions (5):

Labcorp Genetics (formerly Invitae), Labcorp
Classification: Pathogenic for Familial cancer of breast. Last evaluated: 2024-03-11. Review status: criteria provided, single submitter. Criteria: Invitae Variant Classification Sherloc (09022015). Collection method: clinical testing. Allele origin: germline.
Comment: This sequence change creates a premature translational stop signal (p.Gln260*) in the PALB2 gene. It is expected to result in an absent or disrupted protein product. Loss-of-function variants in PALB2 are known to be pathogenic (PMID: 17200668, 17200671, 17200672, 24136930, 25099575). This variant is not present in population databases (gnomAD no frequency). This premature translational stop signal has been observed in individual(s) with breast cancer (PMID: 28724667). ClinVar contains an entry for this variant (Variation ID: 560018). For these reasons, this variant has been classified as Pathogenic.

Myriad Genetics, Inc.
Classification: Pathogenic for Familial cancer of breast. Last evaluated: 2023-09-07. Review status: criteria provided, single submitter. Criteria: Myriad Autosomal Dominant, Autosomal Recessive and X-Linked Classification Criteria (2023). Collection method: clinical testing. Allele origin: unknown.
Comment: This variant is considered pathogenic. This variant creates a termination codon and is predicted to result in premature protein truncation.

Ambry Genetics
Classification: Pathogenic for Hereditary cancer-predisposing syndrome. Last evaluated: 2020-03-27. Review status: criteria provided, single submitter. Criteria: Ambry Variant Classification Scheme 2023. Collection method: clinical testing. Allele origin: germline.
Comment: The p.Q260* pathogenic mutation (also known as c.778C>T), located in coding exon 4 of the PALB2 gene, results from a C to T substitution at nucleotide position 778. This changes the amino acid from a glutamine to a stop codon within coding exon 4. This alteration is expected to result in loss of function by premature protein truncation or nonsense-mediated mRNA decay. As such, this alteration is interpreted as a disease-causing mutation.

deCODE genetics, Amgen
Classification: Likely pathogenic for Familial cancer of breast. Last evaluated: 2023-07-21. Review status: no assertion criteria provided. Collection method: research. Allele origin: germline. Affected: yes. Observed: 1 variant allele. Not counted in ClinVar's aggregate classification.
Comment: The variant NM_024675.4:c.778C>T (chr16:23635768) in PALB2 was detected in 1 heterozygote out of 58K WGS Icelanders (MAF= 0,001%). This variant has been reported in ClinVar previously as pathogenic. Based on ACMG criteria (PVS1, PM2) this variant classifies as likely pathogenic.

3DMed Clinical Laboratory Inc
Classification: Pathogenic for Neuroendocrine tumor of pancreas. Last evaluated: 2018-04-23. Review status: no assertion criteria provided. Criteria: ACMG Guidelines, 2015. Collection method: clinical testing. Allele origin: germline. Affected: yes. Not counted in ClinVar's aggregate classification.

Literature cited by the submitters: PubMed 17200668 (cited by Labcorp Genetics (formerly Invitae), Labcorp); PubMed 17200671 (cited by Labcorp Genetics (formerly Invitae), Labcorp); PubMed 17200672 (cited by Labcorp Genetics (formerly Invitae), Labcorp); PubMed 24136930 (cited by Labcorp Genetics (formerly Invitae), Labcorp); PubMed 25099575 (cited by Labcorp Genetics (formerly Invitae), Labcorp); PubMed 28724667 (cited by Labcorp Genetics (formerly Invitae), Labcorp).